The following is an entry in ClinVar:

NM_005188.4(CBL):c.581T>C (p.Phe194Ser)

Gene: CBL (Cbl proto-oncogene; plus strand). Cytogenetic location: 11q23.3.
Variant type: single nucleotide variant.
Coding change: c.581T>C on transcript NM_005188.4 (MANE Select); coding-DNA position 581, T replaced by C.
Protein change: p.Phe194Ser; replaces phenylalanine 194 with serine.
Molecular consequence: missense variant.
Genome position (GRCh38, 1-based): chr11:119,271,872, T>C. VCF-style: chr11-119271872-T-C. GRCh37 (hg19) VCF-style: chr11-119142582-T-C.
Other names: short protein forms F194S.
Identifiers: ClinVar variation 4843611 (VCV004843611.1).
Genomic context (GRCh38, chr11:119,271,872, plus strand): 5'-TTCAGGGAGACACATTTCGGATTACTAAAGCAGATGCTGCGGAATTTTGGAGAAAAGCTT[T>C]TGGGGAAAAGTAAGTCTCAGAATAATGAATTTGAACTATGAAAAACTAAAGCTTACGAGT-3'
Protein context (NP_005179.2, residues 184-204): ADAAEFWRKA[Phe194Ser]GEKTIVPWKS

ClinVar aggregate classification (germline): Uncertain significance (1 of 4 stars; one submission).

Conditions:
Cardiovascular phenotype. Identifiers: MedGen CN230736.

gnomAD v4.1: 1 of 1,613,988 alleles (0.000062%); highest among the groups gnomAD compares: South Asian, 0.0011%; no homozygotes.

Submission:

Ambry Genetics
Classification: Uncertain significance for Cardiovascular phenotype. Last evaluated: 2025-12-20. Review status: criteria provided, single submitter. Criteria: Ambry Variant Classification Scheme 2023. Collection method: clinical testing. Allele origin: germline.
Comment: The p.F194S variant (also known as c.581T>C), located in coding exon 3 of the CBL gene, results from a T to C substitution at nucleotide position 581. The phenylalanine at codon 194 is replaced by serine, an amino acid with highly dissimilar properties. This amino acid position is conserved. In addition, this alteration is predicted to be deleterious by in silico analysis. Based on the available evidence, the clinical significance of this variant remains unclear.